The following is an entry in ClinVar:

NC_000015.9:g.(?_28228471)_(28228649_?)del

Gene: OCA2 (OCA2 melanosomal transmembrane protein; minus strand). Cytogenetic location: 15q13.1.
Variant type: Deletion.
Identifiers: ClinVar variation 1453958 (VCV001453958.5).

ClinVar aggregate classification (germline): Pathogenic (1 of 4 stars; one submission).

Submission:

Labcorp Genetics (formerly Invitae), Labcorp
Classification: Pathogenic. Last evaluated: 2023-08-17. Review status: criteria provided, single submitter. Criteria: Invitae Variant Classification Sherloc (09022015). Collection method: clinical testing. Allele origin: germline.
Comment: For these reasons, this variant has been classified as Pathogenic. A similar copy number variant has been observed in individual(s) with oculocutaneous albinism (PMID: 24118800). This variant is a gross deletion of the genomic region encompassing exon(s) 14 of the OCA2 gene. This deletion is out-of-frame, and is expected to create a premature termination codon and result in an absent or disrupted protein product. Loss-of-function variants in OCA2 are known to be pathogenic (PMID: 19865097, 21541274).

Literature cited by the submitters: PubMed 24118800; PubMed 19865097; PubMed 21541274.